The following is an entry in ClinVar:

ClinVar aggregate classification (germline): Uncertain significance (1 of 4 stars; one submission).

gnomAD v4.1: 1 of 1,613,776 alleles (0.000062%); highest among the groups gnomAD compares: African/African-American, 0.0013%; no homozygotes.

Submission:

Ambry Genetics
Classification: Uncertain significance. Last evaluated: 2024-12-14. Review status: criteria provided, single submitter. Criteria: Ambry Variant Classification Scheme 2023. Collection method: clinical testing. Allele origin: germline.
Comment: The p.A127S variant (also known as c.379G>T), located in coding exon 3 of the CTNNA3 gene, results from a G to T substitution at nucleotide position 379. The alanine at codon 127 is replaced by serine, an amino acid with similar properties. This amino acid position is conserved. In addition, this alteration is predicted to be tolerated by in silico analysis. Based on the available evidence, the clinical significance of this variant remains unclear.

NM_013266.4(CTNNA3):c.379G>T (p.Ala127Ser)

Gene: CTNNA3 (catenin alpha 3; minus strand). Cytogenetic location: 10q21.3.
Variant type: single nucleotide variant.
Coding change: c.379G>T on transcript NM_013266.4 (MANE Select); coding-DNA position 379, G replaced by T.
Protein change: p.Ala127Ser; replaces alanine 127 with serine.
Molecular consequence: missense variant.
Genome position (GRCh38, 1-based): chr10:67,539,583, C>A on the plus strand (G>T on the coding strand, the complement: CTNNA3 is on the minus strand). VCF-style: chr10-67539583-C-A. GRCh37 (hg19) VCF-style: chr10-69299341-C-A.
Other names: c.379G>T, p.Ala127Ser (NM_001127384.3); c.415G>T, p.Ala139Ser (NM_001291133.2); short protein forms A127S, A139S.
Identifiers: ClinVar variation 3837200 (VCV003837200.1).